The following is an entry in ClinVar:

NM_000336.3(SCNN1B):c.858G>A (p.Ser286=)

Gene: SCNN1B (sodium channel epithelial 1 subunit beta; plus strand). Cytogenetic location: 16p12.2.
Variant type: single nucleotide variant.
Coding change: c.858G>A on transcript NM_000336.3 (MANE Select); coding-DNA position 858, G replaced by A.
Protein change: p.Ser286=; no amino-acid change (serine 286 retained).
Molecular consequence: synonymous variant.
Genome position (GRCh38, 1-based): chr16:23,367,937, G>A. VCF-style: chr16-23367937-G-A. GRCh37 (hg19) VCF-style: chr16-23379258-G-A.
Other names: c.858G>A (NM_000336.2); c.858G>A, p.Ser286= (NM_001410900.1).
Identifiers: ClinVar variation 4749940 (VCV004749940.2).
Genomic context (GRCh38, chr16:23,367,937, plus strand): 5'-CCCTCACTATGGCAACTGTTACATCTTCAACTGGGGCATGACAGAGAAGGCACTTCCTTC[G>A]GCCAACCCTGGAACTGAATTCGGTGAGTTTTGGTTTATCGTGGGGCCAGAGCCATGAGGC-3'
Protein context (NP_000327.2, residues 276-296): NWGMTEKALP[Ser286=]ANPGTEFGLK

ClinVar aggregate classification (germline): Likely benign. Review status: criteria provided, multiple submitters, no conflicts (2 of 4 stars). 2 submissions from 2 submitters: Likely benign (2). Last evaluated 2025-11-17.

Conditions:
SCNN1B-related disorder. Also called: SCNN1B-related condition.

gnomAD v4.1: 43 of 1,613,848 alleles (0.0027%); highest among the groups gnomAD compares: Admixed American, 0.022%; no homozygotes.

Submissions (2):

Labcorp Genetics (formerly Invitae), Labcorp
Classification: Likely benign. Last evaluated: 2025-11-17. Review status: criteria provided, single submitter. Criteria: Invitae Variant Classification Sherloc (09022015). Collection method: clinical testing. Allele origin: germline.

PreventionGenetics, part of Exact Sciences
Classification: Likely benign for SCNN1B-related condition. Last evaluated: 2025-03-26. Review status: criteria provided, single submitter. Criteria: ACMG Guidelines, 2015. Collection method: clinical testing. Allele origin: germline.
Comment: This variant is classified as likely benign based on ACMG/AMP sequence variant interpretation guidelines (Richards et al. 2015 PMID: 25741868, with internal and published modifications).